The following is an entry in ClinVar:

NM_000057.4(BLM):c.3317C>G (p.Ser1106Cys)

Gene: BLM (BLM RecQ like helicase; plus strand). Cytogenetic location: 15q26.1.
Variant type: single nucleotide variant.
Coding change: c.3317C>G on transcript NM_000057.4 (MANE Select); coding-DNA position 3317, C replaced by G.
Protein change: p.Ser1106Cys; replaces serine 1106 with cysteine.
Molecular consequence: missense variant.
Genome position (GRCh38, 1-based): chr15:90,798,296, C>G. VCF-style: chr15-90798296-C-G. GRCh37 (hg19) VCF-style: chr15-91341526-C-G.
Other names: c.3317C>G, p.Ser1106Cys (NM_001287246.2, NM_001287247.2); c.2192C>G, p.Ser731Cys (NM_001287248.2); short protein forms S731C, S1106C.
Identifiers: ClinVar variation 859636 (VCV000859636.12), dbSNP rs769834593, ClinGen allele CA7738988.

ClinVar aggregate classification (germline): Uncertain significance. Review status: criteria provided, multiple submitters, no conflicts (2 of 4 stars). 2 submissions from 2 submitters: Uncertain significance (2). Last evaluated 2025-11-05.

Conditions:
Hereditary cancer-predisposing syndrome. Also called: Tumor predisposition; Hereditary neoplastic syndrome; Neoplastic Syndromes, Hereditary; Hereditary Cancer Syndrome. Identifiers: Orphanet 140162, MedGen C0027672, MeSH D009386, MONDO:0015356.
Bloom syndrome (BLM). Also called: Bloom-Torre-Machacek syndrome. Identifiers: Orphanet 125, MedGen C0005859, MONDO:0008876, OMIM 210900.

Allele frequency attached by ClinVar (database versions not stated): TOPMed below 0.00001; gnomAD exomes 0.00001; ExAC 0.00002.
gnomAD v4.1: 7 of 1,612,978 alleles (0.00043%); highest among the groups gnomAD compares: Non-Finnish European, 0.00059%; no homozygotes.

Submissions (2):

Labcorp Genetics (formerly Invitae), Labcorp
Classification: Uncertain significance for Bloom syndrome. Last evaluated: 2025-11-05. Review status: criteria provided, single submitter. Criteria: Invitae Variant Classification Sherloc (09022015). Collection method: clinical testing. Allele origin: germline.
Comment: This sequence change replaces serine, which is neutral and polar, with cysteine, which is neutral and slightly polar, at codon 1106 of the BLM protein (p.Ser1106Cys). This variant is present in population databases (rs769834593, gnomAD 0.002%). This variant has not been reported in the literature in individuals affected with BLM-related conditions. ClinVar contains an entry for this variant (Variation ID: 859636). Invitae Evidence Modeling of protein sequence and biophysical properties (such as structural, functional, and spatial information, amino acid conservation, physicochemical variation, residue mobility, and thermodynamic stability) indicates that this missense variant is not expected to disrupt BLM protein function with a negative predictive value of 80%. In summary, the available evidence is currently insufficient to determine the role of this variant in disease. Therefore, it has been classified as a Variant of Uncertain Significance.

Ambry Genetics
Classification: Uncertain significance for Hereditary cancer-predisposing syndrome. Last evaluated: 2023-11-01. Review status: criteria provided, single submitter. Criteria: Ambry Variant Classification Scheme 2023. Collection method: clinical testing. Allele origin: germline.
Comment: The p.S1106C variant (also known as c.3317C>G), located in coding exon 16 of the BLM gene, results from a C to G substitution at nucleotide position 3317. The serine at codon 1106 is replaced by cysteine, an amino acid with dissimilar properties. This amino acid position is conserved. In addition, this alteration is predicted to be tolerated by in silico analysis. Since supporting evidence is limited at this time, the clinical significance of this alteration remains unclear.